The following is an entry in ClinVar:

NM_007254.4(PNKP):c.1258G>A (p.Ala420Thr)

Gene: PNKP (polynucleotide kinase 3'-phosphatase; minus strand). Cytogenetic location: 19q13.33.
Variant type: single nucleotide variant.
Coding change: c.1258G>A on transcript NM_007254.4 (MANE Select); coding-DNA position 1258, G replaced by A.
Protein change: p.Ala420Thr; replaces alanine 420 with threonine.
Molecular consequence: missense variant.
Genome position (GRCh38, 1-based): chr19:49,861,812, C>T on the plus strand (G>A on the coding strand, the complement: PNKP is on the minus strand). VCF-style: chr19-49861812-C-T. GRCh37 (hg19) VCF-style: chr19-50365069-C-T.
Other names: short protein forms A420T.
Identifiers: ClinVar variation 944933 (VCV000944933.10), dbSNP rs754981151, ClinGen allele CA406933478.

ClinVar aggregate classification (germline): Uncertain significance (1 of 4 stars; one submission).

Conditions:
Developmental and epileptic encephalopathy, 12 (DEE12). Identifiers: MedGen C3150988, MONDO:0013389, OMIM 613722.

gnomAD v4.1: 8 of 1,581,892 alleles (0.00051%); highest among the groups gnomAD compares: Non-Finnish European, 0.00069%; no homozygotes.

Submission:

Labcorp Genetics (formerly Invitae), Labcorp
Classification: Uncertain significance for Developmental and epileptic encephalopathy, 12. Last evaluated: 2022-01-14. Review status: criteria provided, single submitter. Criteria: Invitae Variant Classification Sherloc (09022015). Collection method: clinical testing. Allele origin: germline.
Comment: ClinVar contains an entry for this variant (Variation ID: 944933). Algorithms developed to predict the effect of missense changes on protein structure and function (SIFT, PolyPhen-2, Align-GVGD) all suggest that this variant is likely to be tolerated. This sequence change replaces alanine, which is neutral and non-polar, with threonine, which is neutral and polar, at codon 420 of the PNKP protein (p.Ala420Thr). This variant is not present in population databases (gnomAD no frequency). This variant has not been reported in the literature in individuals affected with PNKP-related conditions. In summary, the available evidence is currently insufficient to determine the role of this variant in disease. Therefore, it has been classified as a Variant of Uncertain Significance.